The following is an entry in ClinVar:

NM_007126.5(VCP):c.2345G>A (p.Gly782Asp)

Gene: VCP (valosin containing protein; minus strand). Cytogenetic location: 9p13.3.
Variant type: single nucleotide variant.
Coding change: c.2345G>A on transcript NM_007126.5 (MANE Select); coding-DNA position 2345, G replaced by A.
Protein change: p.Gly782Asp; replaces glycine 782 with aspartic acid.
Molecular consequence: missense variant.
Genome position (GRCh38, 1-based): chr9:35,057,193, C>T on the plus strand (G>A on the coding strand, the complement: VCP is on the minus strand). VCF-style: chr9-35057193-C-T. GRCh37 (hg19) VCF-style: chr9-35057190-C-T.
Other names: c.2210G>A, p.Gly737Asp (NM_001354927.2, NM_001354928.2); short protein forms G782D, G737D.
Identifiers: ClinVar variation 4789526 (VCV004789526.1).
Genomic context (GRCh38, chr9:35,057,193, plus strand): 5'-TCATCATTGTCTTCTGTGTATACACTGCCACCTGTGCCGCCTCCACTGCCCTGACTGGGG[C>T]CAGCTCCACCCTGGTTCCCTGAAGGGAATCTGTGTACAAGAGCAAAGCCAAAAAAGAGGG-3'
Protein context (NP_009057.1, residues 772-792): RFPSGNQGGA[Gly782Asp]PSQGSGGGTG

ClinVar aggregate classification (germline): Uncertain significance (1 of 4 stars; one submission).

Conditions:
Inclusion body myopathy with Paget disease of bone and frontotemporal dementia. Also called: Inclusion body myopathy with early-onset Paget disease and frontotemporal dementia. Identifiers: Orphanet 52430, MedGen C1833662, MONDO:0000507.
Frontotemporal dementia and/or amyotrophic lateral sclerosis 6 (FTDALS6). Also called: VCP-Related Amyotrophic Lateral Sclerosis; VCP-Related Amyotrophic Lateral Sclerosis/Frontotemporal Dementia. Identifiers: Orphanet 275872, Orphanet 803, MedGen C5436279, MONDO:0013501, OMIM 613954.

Submission:

Labcorp Genetics (formerly Invitae), Labcorp
Classification: Uncertain significance for Inclusion body myopathy with Paget disease of bone and frontotemporal dementia; Frontotemporal dementia and/or amyotrophic lateral sclerosis 6. Last evaluated: 2025-10-26. Review status: criteria provided, single submitter. Criteria: Invitae Variant Classification Sherloc (09022015). Collection method: clinical testing. Allele origin: germline.
Comment: This sequence change replaces glycine, which is neutral and non-polar, with aspartic acid, which is acidic and polar, at codon 782 of the VCP protein (p.Gly782Asp). This variant is not present in population databases (gnomAD no frequency). This variant has not been reported in the literature in individuals affected with VCP-related conditions. Invitae Evidence Modeling of protein sequence and biophysical properties (such as structural, functional, and spatial information, amino acid conservation, physicochemical variation, residue mobility, and thermodynamic stability) indicates that this missense variant is not expected to disrupt VCP protein function with a negative predictive value of 95%. In summary, the available evidence is currently insufficient to determine the role of this variant in disease. Therefore, it has been classified as a Variant of Uncertain Significance.